The following is an entry in ClinVar:

NM_004064.5(CDKN1B):c.209_255del (p.Leu70fs)

Gene: CDKN1B (cyclin dependent kinase inhibitor 1B; plus strand). Cytogenetic location: 12p13.1.
Variant type: Deletion.
Coding change: c.209_255del on transcript NM_004064.5 (MANE Select); coding-DNA positions 209 to 255, 47 bases deleted.
Protein change: p.Leu70fs; shifts the reading frame from leucine 70.
Molecular consequence: frameshift variant.
Genome position (GRCh38, 1-based): chr12:12,718,048-12,718,094, 47 bases deleted; deleting any 47 consecutive bases within chr12:12,718,045-12,718,094 gives the same sequence; the c. name uses the placement nearest the transcript's 3' end. GRCh37 (hg19): chr12:12,870,982-12,871,028.
Other names: short protein forms L70fs.
Identifiers: ClinVar variation 3830960 (VCV003830960.1).
Genomic context (GRCh38, chr12:12,718,044, plus strand): 5'-TGCAGAGACATGGAAGAGGCGAGCCAGCGCAAGTGGAATTTCGATTTTCAGAATCACAAA[CCCCTAGAGGGCAAGTACGAGTGGCAAGAGGTGGAGAAGGGCAGCTTG>C]CCCGAGTTCTACTACAGACCCCCGCGGCCCCCCAAAGGTGCCTGCAAGGTGCCGGCGCAG-3'

ClinVar aggregate classification (germline): Pathogenic (1 of 4 stars; one submission).

Conditions:
Hereditary cancer-predisposing syndrome. Also called: Hereditary neoplastic syndrome; Neoplastic Syndromes, Hereditary; Tumor predisposition; Hereditary Cancer Syndrome. Identifiers: Orphanet 140162, MedGen C0027672, MeSH D009386, MONDO:0015356.

Submission:

Ambry Genetics
Classification: Pathogenic for Hereditary cancer-predisposing syndrome. Last evaluated: 2024-12-23. Review status: criteria provided, single submitter. Criteria: Ambry Variant Classification Scheme 2023. Collection method: clinical testing. Allele origin: germline.
Comment: The c.209_255del47 pathogenic mutation, located in coding exon 1 of the CDKN1B gene, results from a deletion of 47 nucleotides at nucleotide positions 209 to 255, causing a translational frameshift with a predicted alternate stop codon (p.L70Rfs*39). This alteration is expected to result in loss of function by premature protein truncation or nonsense-mediated mRNA decay. As such, this alteration is interpreted as a disease-causing mutation.